The following is an entry in ClinVar:

NM_005121.3(MED13):c.1876G>A (p.Val626Ile)

Gene: MED13 (mediator complex subunit 13; minus strand). Cytogenetic location: 17q23.2.
Variant type: single nucleotide variant.
Coding change: c.1876G>A on transcript NM_005121.3 (MANE Select); coding-DNA position 1876, G replaced by A.
Protein change: p.Val626Ile; replaces valine 626 with isoleucine.
Molecular consequence: missense variant.
Genome position (GRCh38, 1-based): chr17:62,010,641, C>T on the plus strand (G>A on the coding strand, the complement: MED13 is on the minus strand). VCF-style: chr17-62010641-C-T. GRCh37 (hg19) VCF-style: chr17-60088002-C-T.
Other names: short protein forms V626I.
Identifiers: ClinVar variation 4885982 (VCV004885982.2).
Genomic context (GRCh38, chr17:62,010,641, plus strand): 5'-AAGGTCCAACTGGATCATCCTTGAATTTATCACTTGGAAGTTGAGGTGGTAAAAACTCTA[C>T]ATCTTTTTTCTTTGGGAACTTGTAATACTTCCAGGCTATATTGGCTTCATCTTCTTCCAA-3'
Protein context (NP_005112.2, residues 616-636): KYYKFPKKKD[Val626Ile]EFLPPQLPSD

ClinVar aggregate classification (germline): Uncertain significance (1 of 4 stars; one submission).

gnomAD v4.1: 8 of 1,497,864 alleles (0.00053%); highest among the groups gnomAD compares: African/African-American, 0.0028%; no homozygotes.

Submission:

Dasa
Classification: Uncertain significance. Last evaluated: 2026-02-12. Review status: criteria provided, single submitter. Criteria: DASA Assertion Criteria. Collection method: clinical testing. Allele origin: germline.
Comment: NM_005121.3(MED13):c.1876G>A (p.Val626Ile) is a missense variant that results in the substitution of valine with isoleucine. This variant is rare in population databases. Computational prediction algorithms are consistent with a benign effect. The currently available literature and clinical evidence are not sufficient to establish a definitive association between this variant and the reported condition. Therefore, this variant is classified as a variant of uncertain significance.